The following is an entry in ClinVar:

ClinVar aggregate classification (germline): Likely pathogenic (1 of 4 stars; one submission).

Conditions:
Autosomal recessive congenital ichthyosis 4A (LI2). Also called: ICHTHYOSIS CONGENITA IIB. Identifiers: Orphanet 313, MedGen C1832550, MONDO:0011026, OMIM 601277.
Autosomal recessive congenital ichthyosis 4B (ARCI4B). Also called: Harlequin Fetus; HARLEQUIN ICHTHYOSIS; ICHTHYOSIS CONGENITA, HARLEQUIN FETUS TYPE; Ichthyosis, congenital, autosomal recessive 4B (harlequin). Identifiers: Orphanet 457, MedGen C0598226, MONDO:0009443, OMIM 242500.

Submission:

First Genomix Gene Laboratory, Genetic Diagnostics Department
Classification: Likely pathogenic for Autosomal recessive congenital ichthyosis 4A; Autosomal recessive congenital ichthyosis 4B. Last evaluated: 2025-10-15. Review status: criteria provided, single submitter. Criteria: ACMG Guidelines, 2015. Collection method: clinical testing. Allele origin: germline. Inheritance: Autosomal recessive inheritance. Affected: no. Observed: 1 variant allele.

NM_173076.3(ABCA12):c.653del (p.Leu217_Leu218insTer)

Gene: ABCA12 (ATP binding cassette subfamily A member 12; minus strand). Cytogenetic location: 2q35.
Variant type: Deletion.
Coding change: c.653del on transcript NM_173076.3 (MANE Select); coding-DNA position 653, one base deleted (T; older notation c.653delT).
Protein change: p.Leu217_Leu218insTer.
Molecular consequence: nonsense. On other transcripts: non-coding transcript variant (1).
Genome position (GRCh38, 1-based): chr2:215,049,666, A deleted on the plus strand (T on the coding strand, the reverse complement: ABCA12 is on the minus strand); the first of 4 consecutive A bases (chr2:215,049,666-215,049,669); deleting any one gives the same sequence. VCF-style (leftmost placement, unchanged base first): chr2-215049665-TA-T. GRCh37 (hg19) VCF-style: chr2-215914389-TA-T.
Identifiers: ClinVar variation 4850450 (VCV004850450.1).